The following is an entry in ClinVar:

NM_015272.5(RPGRIP1L):c.3373G>A (p.Asp1125Asn)

Gene: RPGRIP1L (RPGRIP1 like; minus strand). Cytogenetic location: 16q12.2.
Variant type: single nucleotide variant.
Coding change: c.3373G>A on transcript NM_015272.5 (MANE Select); coding-DNA position 3373, G replaced by A.
Protein change: p.Asp1125Asn; replaces aspartic acid 1125 with asparagine.
Molecular consequence: missense variant. On other transcripts: intron variant (2).
Genome position (GRCh38, 1-based): chr16:53,622,278, C>T on the plus strand (G>A on the coding strand, the complement: RPGRIP1L is on the minus strand). VCF-style: chr16-53622278-C-T. GRCh37 (hg19) VCF-style: chr16-53656190-C-T.
Other names: c.3271G>A, p.Asp1091Asn (NM_001330538.2); c.3193-3070G>A (NM_001127897.4); c.3295-3070G>A (NM_001308334.3); short protein forms D1091N, D1125N.
Identifiers: ClinVar variation 4989985 (VCV004989985.1).

ClinVar aggregate classification (germline): Uncertain significance (1 of 4 stars; one submission).

Conditions:
RPGRIP1L-related disorder. Also called: RPGRIP1L-related disorders; RPGRIP1L-related condition. Identifiers: MedGen CN239416.

Submission:

PreventionGenetics, part of Exact Sciences
Classification: Uncertain significance for RPGRIP1L-related condition. Last evaluated: 2024-12-02. Review status: criteria provided, single submitter. Criteria: ACMG Guidelines, 2015. Collection method: clinical testing. Allele origin: germline.
Comment: The RPGRIP1L c.3373G>A variant is predicted to result in the amino acid substitution p.Asp1125Asn. To our knowledge, this variant has not been reported in the literature or in a large population database (gnomAD), indicating this variant is rare. At this time, the clinical significance of this variant is uncertain due to the absence of conclusive functional and genetic evidence.